The following is an entry in ClinVar:

NM_000368.5(TSC1):c.625A>G (p.Met209Val)

Gene: TSC1 (TSC complex subunit 1; minus strand). Cytogenetic location: 9q34.13.
Variant type: single nucleotide variant.
Coding change: c.625A>G on transcript NM_000368.5 (MANE Select); coding-DNA position 625, A replaced by G.
Protein change: p.Met209Val; replaces methionine 209 with valine.
Molecular consequence: missense variant.
Genome position (GRCh38, 1-based): chr9:132,921,857, T>C on the plus strand (A>G on the coding strand, the complement: TSC1 is on the minus strand). VCF-style: chr9-132921857-T-C. GRCh37 (hg19) VCF-style: chr9-135797244-T-C.
Other names: c.625A>G, p.Met209Val (NM_001162426.2); c.472A>G, p.Met158Val (NM_001162427.2); c.262A>G, p.Met88Val (NM_001362177.2); short protein forms M209V, M158V, M88V.
Identifiers: ClinVar variation 411286 (VCV000411286.24), dbSNP rs754980229, ClinGen allele CA038277.

ClinVar aggregate classification (germline): Benign/Likely benign. Review status: criteria provided, multiple submitters, no conflicts (2 of 4 stars). 7 submissions from 7 submitters: Benign (3); Likely benign (4). Last evaluated 2026-02-03.

Conditions:
TSC1-related disorder. Also called: TSC1-related condition.
Hereditary cancer-predisposing syndrome. Also called: Neoplastic Syndromes, Hereditary; Tumor predisposition; Hereditary Cancer Syndrome; Hereditary neoplastic syndrome. Identifiers: Orphanet 140162, MedGen C0027672, MeSH D009386, MONDO:0015356.
Tuberous sclerosis syndrome (TSC). Also called: Tuberous Sclerosis Complex; Tuberous sclerosis. Identifiers: Orphanet 805, MedGen C0041341, MONDO:0001734.
Tuberous sclerosis 1 (TSC1). Identifiers: Orphanet 805, MedGen C1854465, MONDO:0008612, OMIM 191100.

Allele frequency attached by ClinVar (database versions not stated): gnomAD exomes 0.00004 and 0.00010; ExAC 0.00006; gnomAD 0.00006 and 0.00007; TOPMed 0.00007; 1000 Genomes Project 30x 0.00031.
gnomAD v4.1: 69 of 1,614,216 alleles (0.0043%); highest among the groups gnomAD compares: South Asian, 0.038%; no homozygotes.

Submissions (7):

Labcorp Genetics (formerly Invitae), Labcorp
Classification: Benign for Tuberous sclerosis 1. Last evaluated: 2026-02-03. Review status: criteria provided, single submitter. Criteria: Invitae Variant Classification Sherloc (09022015). Collection method: clinical testing. Allele origin: germline.

PreventionGenetics, part of Exact Sciences
Classification: Likely benign for TSC1-related condition. Last evaluated: 2024-11-08. Review status: criteria provided, single submitter. Criteria: ACMG Guidelines, 2015. Collection method: clinical testing. Allele origin: germline.
Comment: This variant is classified as likely benign based on ACMG/AMP sequence variant interpretation guidelines (Richards et al. 2015 PMID: 25741868, with internal and published modifications).

Myriad Genetics, Inc.
Classification: Likely benign for Tuberous sclerosis 1. Last evaluated: 2024-08-26. Review status: criteria provided, single submitter. Criteria: Myriad Autosomal Dominant, Autosomal Recessive and X-Linked Classification Criteria (2023). Collection method: clinical testing. Allele origin: unknown.
Comment: This variant is considered likely benign. This variant has been observed at a population frequency that is significantly greater than expected given the associated disease prevalence and penetrance.

Quest Diagnostics Nichols Institute San Juan Capistrano
Classification: Likely benign. Last evaluated: 2023-03-09. Review status: criteria provided, single submitter. Criteria: Quest Diagnostics criteria. Collection method: clinical testing. Allele origin: unknown.
Comment: The frequency of this variant in the general population is higher than would generally be expected for pathogenic variants in this gene. Computational tools predict this amino acid change may be benign.

Color Diagnostics, LLC DBA Color Health
Classification: Benign for Tuberous sclerosis syndrome. Last evaluated: 2022-05-20. Review status: criteria provided, single submitter. Criteria: ACMG Guidelines, 2015. Collection method: clinical testing. Allele origin: germline.

Genome-Nilou Lab
Classification: Benign for Tuberous sclerosis 1. Last evaluated: 2021-11-07. Review status: criteria provided, single submitter. Criteria: ACMG Guidelines, 2015. Collection method: clinical testing. Allele origin: germline. Affected: no.

Ambry Genetics
Classification: Likely benign for Hereditary cancer-predisposing syndrome. Last evaluated: 2020-09-21. Review status: criteria provided, single submitter. Criteria: Ambry Variant Classification Scheme 2023. Collection method: clinical testing. Allele origin: germline.